The following is an entry in ClinVar:

ClinVar aggregate classification (germline): Uncertain significance (0 of 4 stars; one submission).

Conditions:
CARD14-related disorder. Also called: CARD14-related condition.

Submission:

PreventionGenetics, part of Exact Sciences
Classification: Uncertain significance for CARD14-related condition. Last evaluated: 2024-06-19. Review status: no assertion criteria provided. Collection method: clinical testing. Allele origin: germline.
Comment: The CARD14 c.1235G>A variant is predicted to result in the amino acid substitution p.Arg412Gln. To our knowledge, this variant has not been reported in the literature. This variant is reported in 0.024% of alleles in individuals of African descent in gnomAD. At this time, the clinical significance of this variant is uncertain due to the absence of conclusive functional and genetic evidence.

NM_001366385.1(CARD14):c.1851+95G>A

Gene: CARD14 (caspase recruitment domain family member 14; plus strand). Cytogenetic location: 17q25.3.
Variant type: single nucleotide variant.
Coding change: c.1851+95G>A on transcript NM_001366385.1 (MANE Select); 95 bases into the intron after coding-DNA position 1851, G replaced by A.
Molecular consequence: intron variant. On other transcripts: missense variant (1).
Genome position (GRCh38, 1-based): chr17:80,198,686, G>A. VCF-style: chr17-80198686-G-A. GRCh37 (hg19) VCF-style: chr17-78172485-G-A.
Other names: c.1235G>A, p.Arg412Gln (NM_052819.3); c.1851+95G>A (NM_024110.4, NM_001257970.1); short protein forms R412Q.
Identifiers: ClinVar variation 3353829 (VCV003353829.1).